The following is an entry in ClinVar:

ClinVar aggregate classification (germline): Uncertain significance. Review status: criteria provided, multiple submitters, no conflicts (2 of 4 stars). 6 submissions from 6 submitters: Uncertain significance (6). Last evaluated 2024-12-26.

Conditions:
Central core myopathy (CMYO1A). Also called: Central core disease; Myopathy, central fibrillar; CONGENITAL MYOPATHY 1A, AUTOSOMAL DOMINANT, WITH SUSCEPTIBILITY TO MALIGNANT HYPERTHERMIA. Identifiers: Orphanet 597, MedGen C5830701, MONDO:0007294, OMIM 117000.
Malignant hyperthermia, susceptibility to, 1 (MHS1). Also called: Anesthesia related hyperthermia; Malignant hyperpyrexia; Fulminating hyperpyrexia; Pharmacogenic myopathy; RYR1-Related Malignant Hyperthermia Susceptibility; Malignant hyperthermia suceptibility 1. Identifiers: Orphanet 423, MedGen C2930980, MONDO:0007783, OMIM 145600.
Congenital multicore myopathy with external ophthalmoplegia (CMYO1B). Also called: MULTICORE MYOPATHY; Minicore myopathy with external ophthalmoplegia; Congenital myopathy 1B, autosomal recessive; Minicore myopathy; MULTIMINICORE DISEASE WITH EXTERNAL OPHTHALMOPLEGIA. Identifiers: Orphanet 598, Orphanet 98905, MedGen C1850674, MONDO:0009712, OMIM 255320, HP:0003789.
King Denborough syndrome (KDS). Identifiers: MedGen C1840365, MONDO:0020485, OMIM 619542.
Congenital myopathy with fiber type disproportion. Also called: Congenital fiber-type disproportion; Congenital fiber-type disproportion myopathy. Identifiers: Orphanet 2020, MedGen C0546264, MONDO:0009711. Inheritance: all.
RYR1-related disorder. Also called: RYR1-related condition; RYR1-related disorders. Identifiers: MedGen CN239331.

Allele frequency attached by ClinVar (database versions not stated): gnomAD 0.00003 and 0.00004; TOPMed 0.00003; ExAC 0.00005; gnomAD exomes 0.00005 and 0.00006.
gnomAD v4.1: 82 of 1,613,606 alleles (0.0051%); highest among the groups gnomAD compares: African/African-American, 0.0067%; no homozygotes.

Submissions (6):

GeneDx
Classification: Uncertain significance. Last evaluated: 2024-12-26. Review status: criteria provided, single submitter. Criteria: GeneDx Variant Classification Process June 2021. Collection method: clinical testing. Allele origin: germline. Affected: yes.
Comment: In silico analysis supports that this missense variant has a deleterious effect on protein structure/function; Has not been previously published as pathogenic or benign to our knowledge; This variant is associated with the following publications: (PMID: 32686686, 12668474, 33767344)

Labcorp Genetics (formerly Invitae), Labcorp
Classification: Uncertain significance for RYR1-related disorder. Last evaluated: 2024-12-12. Review status: criteria provided, single submitter. Criteria: Invitae Variant Classification Sherloc (09022015). Collection method: clinical testing. Allele origin: germline.
Comment: This sequence change replaces arginine, which is basic and polar, with tryptophan, which is neutral and slightly polar, at codon 2244 of the RYR1 protein (p.Arg2244Trp). This variant is present in population databases (rs772753793, gnomAD 0.1%). This variant has not been reported in the literature in individuals affected with RYR1-related conditions. ClinVar contains an entry for this variant (Variation ID: 329054). Invitae Evidence Modeling of protein sequence and biophysical properties (such as structural, functional, and spatial information, amino acid conservation, physicochemical variation, residue mobility, and thermodynamic stability) has been performed for this missense variant. However, the output from this modeling did not meet the statistical confidence thresholds required to predict the impact of this variant on RYR1 protein function. In summary, the available evidence is currently insufficient to determine the role of this variant in disease. Therefore, it has been classified as a Variant of Uncertain Significance.

All of Us Research Program, National Institutes of Health
Classification: Uncertain significance for Malignant hyperthermia, susceptibility to, 1. Last evaluated: 2024-06-09. Review status: criteria provided, single submitter. Criteria: ACMG Guidelines, 2015. Collection method: clinical testing. Allele origin: germline. Inheritance: Autosomal dominant inheritance. Observed: 13 variant alleles, 13 heterozygotes.
Comment: This missense variant replaces arginine with tryptophan at codon 2244 of the RYR1 protein. Computational prediction suggests that this variant may have deleterious impact on protein structure and function (internally defined REVEL score threshold >= 0.7, PMID: 27666373). Although functional studies have not been reported for this variant, it occurs in a region of RYR1 considered to be a hotspot for pathogenic variants that contribute to malignant hyperthermia susceptibility (PMID: 21118704). This variant has not been reported in individuals affected with RYR1-related disorders in the literature. This variant has been identified in 18/282504 chromosomes in the general population by the Genome Aggregation Database (gnomAD). The available evidence is insufficient to determine the role of this variant in disease conclusively. Therefore, this variant is classified as a Variant of Uncertain Significance.

This study involves interpretation of variants in research participants for the purpose of population health screening. Participant phenotype was not available at the time of variant classification. Additional details can be found in publication PMID: 35346344, PMCID: PMC8962531

Color Diagnostics, LLC DBA Color Health
Classification: Uncertain significance for Malignant hyperthermia, susceptibility to, 1. Last evaluated: 2024-04-18. Review status: criteria provided, single submitter. Criteria: ACMG Guidelines, 2015. Collection method: clinical testing. Allele origin: germline.
Comment: This missense variant replaces arginine with tryptophan at codon 2244 of the RYR1 protein. Computational prediction is inconclusive regarding the impact of this variant on protein structure and function. Although functional studies have not been reported for this variant, it occurs in a region of RYR1 considered to be a hotspot for pathogenic variants that contribute to malignant hyperthermia susceptibility (PMID: 21118704). This variant has not been reported in individuals affected with RYR1-related disorders in the literature. This variant has been identified in 18/282504 chromosomes in the general population by the Genome Aggregation Database (gnomAD). The available evidence is insufficient to determine the role of this variant in disease conclusively. Therefore, this variant is classified as a Variant of Uncertain Significance.

Department of Pathology and Laboratory Medicine, Sinai Health System
Classification: Uncertain significance for Central core myopathy; Malignant hyperthermia, susceptibility to, 1; Congenital multicore myopathy with external ophthalmoplegia; King Denborough syndrome. Last evaluated: 2021-09-11. Review status: criteria provided, single submitter. Criteria: ACMG Guidelines, 2015. Collection method: research. Allele origin: germline.

Fulgent Genetics
Classification: Uncertain significance for Central core myopathy; Malignant hyperthermia, susceptibility to, 1; Congenital myopathy 4A, autosomal dominant; Congenital multicore myopathy with external ophthalmoplegia; King Denborough syndrome. Last evaluated: 2021-09-08. Review status: criteria provided, single submitter. Criteria: ACMG Guidelines, 2015. Collection method: clinical testing. Allele origin: unknown.

Literature cited by the submitters: PubMed 21118704 (cited by All of Us Research Program, National Institutes of Health and Color Diagnostics, LLC DBA Color Health).

NM_000540.3(RYR1):c.6730C>T (p.Arg2244Trp)

Gene: RYR1 (ryanodine receptor 1; plus strand). Cytogenetic location: 19q13.2.
Variant type: single nucleotide variant.
Coding change: c.6730C>T on transcript NM_000540.3 (MANE Select); coding-DNA position 6730, C replaced by T.
Protein change: p.Arg2244Trp; replaces arginine 2244 with tryptophan.
Molecular consequence: missense variant.
Genome position (GRCh38, 1-based): chr19:38,496,475, C>T. VCF-style: chr19-38496475-C-T. GRCh37 (hg19) VCF-style: chr19-38987115-C-T.
Other names: c.6730C>T, p.Arg2244Trp (NM_001042723.2); short protein forms R2244W.
Identifiers: ClinVar variation 329054 (VCV000329054.14), dbSNP rs772753793, ClinGen allele CA068607.